The following is an entry in ClinVar:

NM_024408.4(NOTCH2):c.4864A>G (p.Lys1622Glu)

Gene: NOTCH2 (notch receptor 2; minus strand). Cytogenetic location: 1p12.
Variant type: single nucleotide variant.
Coding change: c.4864A>G on transcript NM_024408.4 (MANE Select); coding-DNA position 4864, A replaced by G.
Protein change: p.Lys1622Glu; replaces lysine 1622 with glutamic acid.
Molecular consequence: missense variant.
Genome position (GRCh38, 1-based): chr1:119,922,774, T>C on the plus strand (A>G on the coding strand, the complement: NOTCH2 is on the minus strand). VCF-style: chr1-119922774-T-C. GRCh37 (hg19) VCF-style: chr1-120465397-T-C.
Other names: short protein forms K1622E.
Identifiers: ClinVar variation 2820813 (VCV002820813.3), dbSNP rs1187287835, ClinGen allele CA341888345.

ClinVar aggregate classification (germline): Uncertain significance (1 of 4 stars; one submission).

Conditions:
Hajdu-Cheney syndrome (HJCYS). Also called: Acroosteolysis dominant type; SERPENTINE FIBULA-POLYCYSTIC KIDNEY SYNDROME; ACROOSTEOLYSIS WITH OSTEOPOROSIS AND CHANGES IN SKULL AND MANDIBLE. Identifiers: Orphanet 955, MedGen C0917715, MONDO:0007057, OMIM 102500.

gnomAD v4.1: 1 of 1,614,088 alleles (0.000062%); highest among the groups gnomAD compares: Admixed American, 0.0017%; no homozygotes.

Submission:

Labcorp Genetics (formerly Invitae), Labcorp
Classification: Uncertain significance for Hajdu-Cheney syndrome. Last evaluated: 2023-03-26. Review status: criteria provided, single submitter. Criteria: Invitae Variant Classification Sherloc (09022015). Collection method: clinical testing. Allele origin: germline.
Comment: In summary, the available evidence is currently insufficient to determine the role of this variant in disease. Therefore, it has been classified as a Variant of Uncertain Significance. Advanced modeling of protein sequence and biophysical properties (such as structural, functional, and spatial information, amino acid conservation, physicochemical variation, residue mobility, and thermodynamic stability) performed at Invitae indicates that this missense variant is not expected to disrupt NOTCH2 protein function. This variant has not been reported in the literature in individuals affected with NOTCH2-related conditions. This variant is present in population databases (no rsID available, gnomAD 0.003%). This sequence change replaces lysine, which is basic and polar, with glutamic acid, which is acidic and polar, at codon 1622 of the NOTCH2 protein (p.Lys1622Glu).